The following is an entry in ClinVar:

NM_001664.4(RHOA):c.203G>A (p.Arg68His)

Gene: RHOA (ras homolog family member A; minus strand). Cytogenetic location: 3p21.31.
Variant type: single nucleotide variant.
Coding change: c.203G>A on transcript NM_001664.4 (MANE Select); coding-DNA position 203, G replaced by A.
Protein change: p.Arg68His; replaces arginine 68 with histidine.
Molecular consequence: missense variant. On other transcripts: 5 prime UTR variant (1), intron variant (2).
Genome position (GRCh38, 1-based): chr3:49,368,502, C>T on the plus strand (G>A on the coding strand, the complement: RHOA is on the minus strand). VCF-style: chr3-49368502-C-T. GRCh37 (hg19) VCF-style: chr3-49405935-C-T.
Other names: c.203G>A, p.Arg68His (NM_001313941.2, NM_001313943.2); c.143G>A, p.Arg48His (NM_001313944.2); c.-41G>A (NM_001313945.2); c.156+6932G>A (NM_001313946.2); c.157-5876G>A (NM_001313947.2); c.203G>A (NM_001313941.1); short protein forms R48H, R68H.
Identifiers: ClinVar variation 2574338 (VCV002574338.3), dbSNP rs2107838665, ClinGen allele CA352786749.

ClinVar aggregate classification (germline): Uncertain significance. Review status: criteria provided, single submitter (1 of 4 stars). 2 submissions from 2 submitters: Uncertain significance (1). 1 of the submissions does not count toward it. Last evaluated 2024-11-26.

Conditions:
RHOA-related disorder. Also called: RHOA-related condition.

Submissions (2):

GeneDx
Classification: Uncertain significance. Last evaluated: 2024-11-26. Review status: criteria provided, single submitter. Criteria: GeneDx Variant Classification Process June 2021. Collection method: clinical testing. Allele origin: germline. Affected: yes.
Comment: De novo variant with confirmed parentage in multiple patients referred for genetic testing at GeneDx; however, the reported clinical features are only partially consistent with the features typically observed in individuals with pathogenic variants in this gene; In silico analysis supports that this missense variant has a deleterious effect on protein structure/function; Has not been previously reported as pathogenic or benign in association with RHOA-related disorders to our knowledge; Not observed at significant frequency in large population cohorts (gnomAD); This variant is associated with the following publications: (PMID: 37969960)

PreventionGenetics, part of Exact Sciences
Classification: Uncertain significance for RHOA-related condition. Last evaluated: 2024-05-07. Review status: no assertion criteria provided. Collection method: clinical testing. Allele origin: germline. Not counted in ClinVar's aggregate classification.
Comment: The RHOA c.203G>A variant is predicted to result in the amino acid substitution p.Arg68His. To our knowledge, this variant has not been reported in the literature or in a large population database, indicating this variant is rare. At this time, the clinical significance of this variant is uncertain due to the absence of conclusive functional and genetic evidence.